The following is an entry in ClinVar:

NM_001023.4(RPS20):c.4-10C>T

Gene: RPS20 (ribosomal protein S20; minus strand). Cytogenetic location: 8q12.1.
Variant type: single nucleotide variant.
Coding change: c.4-10C>T on transcript NM_001023.4 (MANE Select); 10 bases into the intron before coding-DNA position 4, C replaced by T.
Molecular consequence: intron variant.
Genome position (GRCh38, 1-based): chr8:56,074,169, G>A on the plus strand (C>T on the coding strand, the complement: RPS20 is on the minus strand). VCF-style: chr8-56074169-G-A. GRCh37 (hg19) VCF-style: chr8-56986728-G-A.
Other names: c.4-10C>T (NM_001146227.3).
Identifiers: ClinVar variation 5042390 (VCV005042390.1).

ClinVar aggregate classification (germline): Likely benign (1 of 4 stars; one submission).

Conditions:
Familial colorectal cancer type X. Identifiers: Orphanet 440437, MedGen C3896578, MONDO:0018604.

gnomAD v4.1: 3 of 1,605,742 alleles (0.00019%); highest among the groups gnomAD compares: South Asian, 0.0022%; no homozygotes.

Submission:

Myriad Genetics, Inc.
Classification: Likely benign for Familial colorectal cancer type X. Last evaluated: 2026-07-31. Review status: criteria provided, single submitter. Criteria: Myriad Autosomal Dominant, Autosomal Recessive and X-Linked Classification Criteria (2023). Collection method: clinical testing. Allele origin: unknown.
Comment: This variant is considered likely benign. This variant is intronic and is not expected to impact mRNA splicing.